The following is an entry in ClinVar:

NM_004260.4(RECQL4):c.187_196del (p.Glu63fs)

Genes: RECQL4 (RecQ like helicase 4; minus strand), LOC130001411 (ATAC-STARR-seq lymphoblastoid silent region 19699; plus strand). Cytogenetic location: 8q24.3.
Variant type: Deletion.
Coding change: c.187_196del on transcript NM_004260.4 (MANE Select); coding-DNA positions 187 to 196, 10 bases deleted (GAGTCGCTCC; older notation c.187_196delGAGTCGCTCC).
Protein change: p.Glu63fs; shifts the reading frame from glutamic acid 63.
Molecular consequence: frameshift variant.
Genome position (GRCh38, 1-based): chr8:144,517,431-144,517,440, GGAGCGACTC deleted on the plus strand (GAGTCGCTCC on the coding strand, the reverse complement: RECQL4 is on the minus strand); deleting any 10 consecutive bases within chr8:144,517,431-144,517,445 gives the same sequence; the c. name uses the placement nearest the transcript's 3' end. VCF-style (leftmost placement, unchanged base first): chr8-144517430-GGGAGCGACTC-G. GRCh37 (hg19) VCF-style: chr8-145742814-GGGAGCGACTC-G.
Other names: short protein forms E63fs.
Identifiers: ClinVar variation 847782 (VCV000847782.1), dbSNP rs1815344712, ClinGen allele CA916083032.
Genomic context (GRCh38, chr8:144,517,430, plus strand): 5'-AAACAGGGAAGTGGGAGGAGGCTGGGGCGGCGGGGCCTGGGTACCTCTTCGGCCGCCGCG[GGGAGCGACTC>G]GGAGCTGCGGAGCCCGCCGCCGGCCTGGCCCGTGGTACGCTTCAGAGTGCGGTATTCCCG-3'

ClinVar aggregate classification (germline): Pathogenic (1 of 4 stars; one submission).

Conditions:
Baller-Gerold syndrome (BGS). Also called: CRANIOSYNOSTOSIS WITH RADIAL DEFECTS. Identifiers: Orphanet 1225, MedGen C0265308, MONDO:0009039, OMIM 218600.

Submission:

Labcorp Genetics (formerly Invitae), Labcorp
Classification: Pathogenic for Baller-Gerold syndrome. Last evaluated: 2019-12-23. Review status: criteria provided, single submitter. Criteria: Invitae Variant Classification Sherloc (09022015). Collection method: clinical testing. Allele origin: germline.
Comment: This sequence change creates a premature translational stop signal (p.Glu63Profs*17) in the RECQL4 gene. It is expected to result in an absent or disrupted protein product. This variant is not present in population databases (ExAC no frequency). This variant has not been reported in the literature in individuals with RECQL4-related conditions. Loss-of-function variants in RECQL4 are known to be pathogenic (PMID: 12734318, 12952869). For these reasons, this variant has been classified as Pathogenic.